The following is an entry in ClinVar:

NM_000465.4(BARD1):c.1059C>G (p.Pro353=)

Gene: BARD1 (BRCA1 associated RING domain 1; minus strand). Cytogenetic location: 2q35.
Variant type: single nucleotide variant.
Coding change: c.1059C>G on transcript NM_000465.4 (MANE Select); coding-DNA position 1059, C replaced by G.
Protein change: p.Pro353=; no amino-acid change (proline 353 retained).
Molecular consequence: synonymous variant. On other transcripts: non-coding transcript variant (2), intron variant (3).
Genome position (GRCh38, 1-based): chr2:214,780,815, G>C on the plus strand (C>G on the coding strand, the complement: BARD1 is on the minus strand). VCF-style: chr2-214780815-G-C. GRCh37 (hg19) VCF-style: chr2-215645539-G-C.
Other names: c.1002C>G, p.Pro334= (NM_001282543.2); c.159-28260C>G (NM_001282548.2); c.215+16246C>G (NM_001282545.2); c.364+11482C>G (NM_001282549.2).
Identifiers: ClinVar variation 185563 (VCV000185563.34), dbSNP rs368649242, ClinGen allele CA192278.

ClinVar aggregate classification (germline): Benign/Likely benign. Review status: criteria provided, multiple submitters, no conflicts (2 of 4 stars). 14 submissions from 14 submitters: Benign (2); Likely benign (11). 1 of the submissions does not count toward it. Last evaluated 2026-01-28.

Conditions:
BARD1-related cancer predisposition. Identifiers: MedGen CN377756, MONDO:0700267.
Hereditary cancer-predisposing syndrome. Also called: Tumor predisposition; Neoplastic Syndromes, Hereditary; Hereditary neoplastic syndrome; Hereditary Cancer Syndrome. Identifiers: Orphanet 140162, MedGen C0027672, MeSH D009386, MONDO:0015356.
Familial cancer of breast. Also called: hereditary breast carcinoma; BREAST CANCER, FAMILIAL; Hereditary breast cancer. Identifiers: Orphanet 227535, MedGen C0346153, MONDO:0016419, OMIM 114480. Disease mechanism: loss of function.

Allele frequency attached by ClinVar (database versions not stated): ExAC 0.00007; gnomAD exomes 0.00007 and 0.00017; TOPMed 0.00008; gnomAD 0.00009; ESP Exome Variant Server 0.00015.
gnomAD v4.1: 258 of 1,613,938 alleles (0.016%); highest among the groups gnomAD compares: Non-Finnish European, 0.021%; no homozygotes.

Submissions (14):

Labcorp Genetics (formerly Invitae), Labcorp
Classification: Likely benign for Familial cancer of breast. Last evaluated: 2026-01-28. Review status: criteria provided, single submitter. Criteria: Invitae Variant Classification Sherloc (09022015). Collection method: clinical testing. Allele origin: germline.

Center for Genomic Medicine, Rigshospitalet, Copenhagen University Hospital
Classification: Likely benign. Last evaluated: 2025-03-04. Review status: criteria provided, single submitter. Criteria: ACMG Guidelines, 2015. Collection method: clinical testing. Allele origin: germline.

Molecular Diagnostics Laboratory, Catalan Institute of Oncology
Classification: Likely benign for Hereditary cancer-predisposing syndrome. Last evaluated: 2024-12-19. Review status: criteria provided, single submitter. Criteria: ACMG Guidelines, 2015. Collection method: clinical testing. Allele origin: germline.
Comment: BP4, BP7 c.1059C>G, located in exon 4 of the BARD1 gene, is predicted to result in no splicing alteration (according to SpliceAI) and no amino acid change, p.(Pro353=) (BP4, BP7). This variant is found in 14/268102 alleles at a frequency of 0.0052% in the gnomAD v2.1.1 database, non-cancer dataset. To our knowledge, neither relevant clinical data nor well-stablished functional studies have been reported for this variant. It has been reported in the ClinVar database (2x benign,9x likely benign) and in the LOVD database (1x benign, 1x likely benign). Based on the currently available information, c.1059C>G is classified as a likely benign variant according to ACMG guidelines.

Women's Health and Genetics/Laboratory Corporation of America, LabCorp
Classification: Likely benign. Last evaluated: 2024-03-23. Review status: criteria provided, single submitter. Criteria: LabCorp Variant Classification Summary - May 2015. Collection method: clinical testing. Allele origin: germline.

Blueprint Genetics
Classification: Likely benign. Last evaluated: 2024-03-06. Review status: criteria provided, single submitter. Criteria: ACMG Guidelines, 2015. Collection method: clinical testing. Allele origin: germline.

Department of Pathology and Laboratory Medicine, Sinai Health System
Classification: Likely benign for BARD1-related cancer predisposition. Last evaluated: 2023-06-27. Review status: criteria provided, single submitter. Criteria: ACMG Guidelines, 2015. Collection method: clinical testing. Allele origin: germline. Affected: no.

Myriad Genetics, Inc.
Classification: Benign for Familial cancer of breast. Last evaluated: 2023-02-24. Review status: criteria provided, single submitter. Criteria: Myriad Autosomal Dominant, Autosomal Recessive and X-Linked Classification Criteria (2023). Collection method: clinical testing. Allele origin: unknown.
Comment: This variant is considered benign. This variant is a silent/synonymous amino acid change and it is not expected to impact splicing.

Quest Diagnostics Nichols Institute San Juan Capistrano
Classification: Likely benign. Last evaluated: 2022-11-09. Review status: criteria provided, single submitter. Criteria: Quest Diagnostics criteria. Collection method: clinical testing. Allele origin: unknown.

Sema4
Classification: Likely benign for Hereditary cancer-predisposing syndrome. Last evaluated: 2021-02-19. Review status: criteria provided, single submitter. Criteria: Sema4 Curation Guidelines. Collection method: curation. Allele origin: germline.

Mendelics
Classification: Likely benign for Familial cancer of breast. Last evaluated: 2019-05-28. Review status: criteria provided, single submitter. Criteria: Mendelics Assertion Criteria 2017. Collection method: clinical testing. Allele origin: unknown.

Color Diagnostics, LLC DBA Color Health
Classification: Likely benign for Hereditary cancer-predisposing syndrome. Last evaluated: 2015-06-08. Review status: criteria provided, single submitter. Criteria: ACMG Guidelines, 2015. Collection method: clinical testing. Allele origin: germline.

GeneDx
Classification: Benign. Last evaluated: 2015-03-27. Review status: criteria provided, single submitter. Criteria: GeneDx Variant Classification (06012015). Collection method: clinical testing. Allele origin: germline. Affected: yes.
Comment: This variant is considered likely benign or benign based on one or more of the following criteria: it is a conservative change, it occurs at a poorly conserved position in the protein, it is predicted to be benign by multiple in silico algorithms, and/or has population frequency not consistent with disease.

Ambry Genetics
Classification: Likely benign for Hereditary cancer-predisposing syndrome. Last evaluated: 2014-10-22. Review status: criteria provided, single submitter. Criteria: Ambry Variant Classification Scheme 2023. Collection method: clinical testing. Allele origin: germline.

Counsyl
Classification: Likely benign for Familial cancer of breast. Last evaluated: 2016-11-01. Review status: no assertion criteria provided. Collection method: clinical testing. Allele origin: unknown. Not counted in ClinVar's aggregate classification.